The following is an entry in ClinVar:

NM_024642.5(GALNT12):c.1534G>A (p.Gly512Arg)

Gene: GALNT12 (polypeptide N-acetylgalactosaminyltransferase 12; plus strand). Cytogenetic location: 9q22.33.
Variant type: single nucleotide variant.
Coding change: c.1534G>A on transcript NM_024642.5 (MANE Select); coding-DNA position 1534, G replaced by A.
Protein change: p.Gly512Arg; replaces glycine 512 with arginine.
Molecular consequence: missense variant.
Genome position (GRCh38, 1-based): chr9:98,846,052, G>A. VCF-style: chr9-98846052-G-A. GRCh37 (hg19) VCF-style: chr9-101608334-G-A.
Other names: short protein forms G512R.
Identifiers: ClinVar variation 4871634 (VCV004871634.1).
Genomic context (GRCh38, chr9:98,846,052, plus strand): 5'-TCCCAGAAAGAAATACGCTATAACACCCACCAGCCTGAGGGCTGCATTGCTGTGGAAGCA[G>A]GAATGGATACCCTTATCATGCATCTCTGCGAAGAAACTGCCCCAGAGAATCAGAAGTTCA-3'
Protein context (NP_078918.3, residues 502-522): QPEGCIAVEA[Gly512Arg]MDTLIMHLCE

ClinVar aggregate classification (germline): Uncertain significance (1 of 4 stars; one submission).

gnomAD v4.1: 1 of 1,614,198 alleles (0.000062%); highest among the groups gnomAD compares: African/African-American, 0.0013%; no homozygotes.

Submission:

Ambry Genetics
Classification: Uncertain significance. Last evaluated: 2026-04-28. Review status: criteria provided, single submitter. Criteria: Ambry Variant Classification Scheme 2023. Collection method: clinical testing. Allele origin: germline.
Comment: The p.G512R variant (also known as c.1534G>A), located in coding exon 9 of the GALNT12 gene, results from a G to A substitution at nucleotide position 1534. The glycine at codon 512 is replaced by arginine, an amino acid with dissimilar properties. This amino acid position is conserved. In addition, this alteration is predicted to be tolerated by in silico analysis. Based on the available evidence, the clinical significance of this variant remains unclear.